The following is an entry in ClinVar:

ClinVar aggregate classification (germline): Uncertain significance. Review status: criteria provided, multiple submitters, no conflicts (2 of 4 stars). 4 submissions from 4 submitters: Uncertain significance (4). Last evaluated 2026-02-11.

Conditions:
Fanconi anemia complementation group P. Also called: SLX4-Related Fanconi Anemia. Identifiers: Orphanet 84, MedGen C3469542, MONDO:0013499, OMIM 613951.
Fanconi anemia (FA). Also called: Fanconi's anemia. Identifiers: Orphanet 84, MedGen C0015625, MeSH D005199, MONDO:0019391.

gnomAD v4.1: 26 of 1,614,134 alleles (0.0016%); highest among the groups gnomAD compares: African/African-American, 0.021%; no homozygotes.

Submissions (4):

St. Jude Molecular Pathology, St. Jude Children's Research Hospital
Classification: Uncertain significance for Fanconi anemia complementation group P. Last evaluated: 2026-02-11. Review status: criteria provided, single submitter. Criteria: St. Jude Assertion Criteria 2020. Collection method: clinical testing. Allele origin: germline.
Comment: The SLX4 NM_032444.4:c.4523C>T p.(Ser1508Leu) missense change has a maximum subpopulation frequency of 0.024% in gnomAD v2.1.1. The in silico tool REVEL predicts a benign effect on protein function, but to our knowledge this prediction has not been confirmed by functional studies. To our knowledge, this variant has not been reported in individuals with Fanconi anemia. In summary, the evidence currently available is insufficient to determine the clinical significance of this variant. It has therefore been classified as of uncertain significance.

Labcorp Genetics (formerly Invitae), Labcorp
Classification: Uncertain significance for Fanconi anemia. Last evaluated: 2025-12-15. Review status: criteria provided, single submitter. Criteria: Invitae Variant Classification Sherloc (09022015). Collection method: clinical testing. Allele origin: germline.
Comment: This sequence change replaces serine, which is neutral and polar, with leucine, which is neutral and non-polar, at codon 1508 of the SLX4 protein (p.Ser1508Leu). This variant is present in population databases (rs112694849, gnomAD 0.03%). This variant has not been reported in the literature in individuals affected with SLX4-related conditions. ClinVar contains an entry for this variant (Variation ID: 1365733). An algorithm developed to predict the effect of missense changes on protein structure and function (PolyPhen-2) suggests that this variant is likely to be disruptive. In summary, the available evidence is currently insufficient to determine the role of this variant in disease. Therefore, it has been classified as a Variant of Uncertain Significance.

Fulgent Genetics
Classification: Uncertain significance for Fanconi anemia complementation group P. Last evaluated: 2024-05-15. Review status: criteria provided, single submitter. Criteria: ACMG Guidelines, 2015. Collection method: clinical testing. Allele origin: germline.

Breakthrough Genomics
Classification: Uncertain significance. Review status: criteria provided, single submitter. Criteria: ACMG Guidelines, 2015. Collection method: not provided. Allele origin: germline. Inheritance: Autosomal recessive inheritance. Affected: yes.

NM_032444.4(SLX4):c.4523C>T (p.Ser1508Leu)

Gene: SLX4 (SLX4 structure-specific endonuclease subunit; minus strand). Cytogenetic location: 16p13.3.
Variant type: single nucleotide variant.
Coding change: c.4523C>T on transcript NM_032444.4 (MANE Select); coding-DNA position 4523, C replaced by T.
Protein change: p.Ser1508Leu; replaces serine 1508 with leucine.
Molecular consequence: missense variant.
Genome position (GRCh38, 1-based): chr16:3,589,115, G>A on the plus strand (C>T on the coding strand, the complement: SLX4 is on the minus strand). VCF-style: chr16-3589115-G-A. GRCh37 (hg19) VCF-style: chr16-3639116-G-A.
Other names: short protein forms S1508L.
Identifiers: ClinVar variation 1365733 (VCV001365733.12), dbSNP rs112694849, ClinGen allele CA7865612.